The following is an entry in ClinVar:

ClinVar aggregate classification (germline): Pathogenic/Likely pathogenic. Review status: criteria provided, multiple submitters, no conflicts (2 of 4 stars). 2 submissions from 2 submitters: Pathogenic (1); Likely pathogenic (1). Last evaluated 2022-05-22.

Conditions:
Neuronal ceroid lipofuscinosis 8 (CLN8). Also called: CLN8-Related Neuronal Ceroid-Lipofuscinosis. Identifiers: Orphanet 168491, Orphanet 228354, Orphanet 79264, MedGen C1838570, MONDO:0010830, OMIM 600143.
Neuronal ceroid lipofuscinosis. Also called: Neuronal Ceroid Lipofuscinoses. Identifiers: Orphanet 216, Orphanet 79263, MedGen C0027877, MONDO:0016295. Disease mechanism: loss of function.

Submissions (2):

3billion
Classification: Likely pathogenic for Neuronal ceroid lipofuscinosis 8. Last evaluated: 2022-05-22. Review status: criteria provided, single submitter. Criteria: ACMG Guidelines, 2015. Collection method: clinical testing. Allele origin: germline. Affected: yes. Observed: 1 homozygote.
Comment: The variant is not observed in the gnomAD v2.1.1 dataset. Frameshift: predicted to result in a loss or disruption of normal protein function through protein truncation. The predicted truncated protein may be shortened by more than 10%. The variant has been reported to be associated with CLN8- related disorder (ClinVar ID: VCV000952744). Therefore, this variant is classified as likely pathogenic according to the recommendation of ACMG/AMP guideline.

Labcorp Genetics (formerly Invitae), Labcorp
Classification: Pathogenic for Neuronal ceroid lipofuscinosis. Last evaluated: 2019-06-26. Review status: criteria provided, single submitter. Criteria: Invitae Variant Classification Sherloc (09022015). Collection method: clinical testing. Allele origin: germline.
Comment: This variant is not present in population databases (ExAC no frequency). For these reasons, this variant has been classified as Pathogenic. This variant disrupts the C-terminus of the CLN8 protein. Other variant(s) that disrupt this region (p.Gln255*) have been determined to be pathogenic (PMID: 28116333). This suggests that variants that disrupt this region of the protein are likely to be causative of disease. This sequence change results in a premature translational stop signal in the CLN8 gene (p.Met200Serfs*48). While this is not anticipated to result in nonsense mediated decay, it is expected to disrupt the last 87 amino acids of the CLN8 protein.

Literature cited by the submitters: PubMed 28116333 (cited by Labcorp Genetics (formerly Invitae), Labcorp).

NM_018941.4(CLN8):c.593_596dup (p.Met200fs)

Gene: CLN8 (CLN8 transmembrane ER and ERGIC protein; plus strand). Cytogenetic location: 8p23.3.
Variant type: Duplication.
Coding change: c.593_596dup on transcript NM_018941.4 (MANE Select); coding-DNA positions 593 to 596, 4 bases duplicated (TTCA; older notation c.593_596dupTTCA).
Protein change: p.Met200fs; shifts the reading frame from methionine 200.
Molecular consequence: frameshift variant.
Genome position (GRCh38, 1-based): chr8:1,780,299-1,780,302, TTCA duplicated; duplicating any 4 consecutive bases within chr8:1,780,298-1,780,302 gives the same sequence; the c. name uses the placement nearest the transcript's 3' end. VCF-style (leftmost placement, unchanged base first): chr8-1780297-G-GATTC. GRCh37 (hg19) VCF-style: chr8-1728463-G-GATTC.
Other names: short protein forms M200fs.
Identifiers: ClinVar variation 952744 (VCV000952744.8), dbSNP rs1801672516, ClinGen allele CA1139660362.